The following is an entry in ClinVar:

NM_001130144.3(LTBP3):c.2426G>T (p.Cys809Phe)

Gene: LTBP3 (latent transforming growth factor beta binding protein 3; minus strand). Cytogenetic location: 11q13.1.
Variant type: single nucleotide variant.
Coding change: c.2426G>T on transcript NM_001130144.3 (MANE Select); coding-DNA position 2426, G replaced by T.
Protein change: p.Cys809Phe; replaces cysteine 809 with phenylalanine.
Molecular consequence: missense variant.
Genome position (GRCh38, 1-based): chr11:65,543,477, C>A on the plus strand (G>T on the coding strand, the complement: LTBP3 is on the minus strand). VCF-style: chr11-65543477-C-A. GRCh37 (hg19) VCF-style: chr11-65310948-C-A.
Other names: c.2075G>T, p.Cys692Phe (NM_001164266.1); c.2426G>T, p.Cys809Phe (NM_021070.4); short protein forms C692F, C809F.
Identifiers: ClinVar variation 4844130 (VCV004844130.1).

ClinVar aggregate classification (germline): Uncertain significance (1 of 4 stars; one submission).

Conditions:
Inborn genetic diseases. Identifiers: MedGen C0950123, MeSH D030342.

gnomAD v4.1: 1 of 1,614,134 alleles (0.000062%); highest among the groups gnomAD compares: Non-Finnish European, 0.000085%; no homozygotes.

Submission:

Ambry Genetics
Classification: Uncertain significance for Inborn genetic diseases. Last evaluated: 2026-01-21. Review status: criteria provided, single submitter. Criteria: Ambry Variant Classification Scheme 2023. Collection method: clinical testing. Allele origin: germline.
Comment: The p.C809F variant (also known as c.2426G>T), located in coding exon 17 of the LTBP3 gene, results from a G to T substitution at nucleotide position 2426. The cysteine at codon 809 is replaced by phenylalanine, an amino acid with highly dissimilar properties. This amino acid position is conserved. In addition, this alteration is predicted to be deleterious by in silico analysis. Based on the available evidence, the clinical significance of this variant remains unclear.